The following is an entry in ClinVar:

ClinVar aggregate classification (germline): Uncertain significance (1 of 4 stars; one submission).

Submission:

Human Genetics Bochum, Ruhr University Bochum
Classification: Uncertain significance. Last evaluated: 2023-05-31. Review status: criteria provided, single submitter. Criteria: ACMG Guidelines, 2015. Collection method: clinical testing. Allele origin: germline. Affected: yes.
Comment: ACMG criteria used to clasify this variant: PVS1_MOD, PM2_SUP

NM_005120.3(MED12):c.396G>A (p.Lys132=)

Gene: MED12 (mediator complex subunit 12; plus strand). Cytogenetic location: Xq13.1.
Variant type: single nucleotide variant.
Coding change: c.396G>A on transcript NM_005120.3 (MANE Select); coding-DNA position 396, G replaced by A.
Protein change: p.Lys132=; no amino-acid change (lysine 132 retained).
Molecular consequence: synonymous variant.
Genome position (GRCh38, 1-based): chrX:71,119,877, G>A. VCF-style: chrX-71119877-G-A. GRCh37 (hg19) VCF-style: chrX-70339727-G-A.
Identifiers: ClinVar variation 3027433 (VCV003027433.1), dbSNP rs2519662844, ClinGen allele CA516708392.